The following is an entry in ClinVar:

ClinVar aggregate classification (germline): Uncertain significance. Review status: criteria provided, multiple submitters, no conflicts (2 of 4 stars). 2 submissions from 2 submitters: Uncertain significance (2). Last evaluated 2022-08-22.

Conditions:
Atransferrinemia. Also called: Familial hypotransferrinemia. Identifiers: Orphanet 1195, MedGen C0521802, MONDO:0008846, OMIM 209300, HP:0012239.

Allele frequency attached by ClinVar (database versions not stated): gnomAD 0.00015 and 0.00011; TOPMed 0.00007; gnomAD exomes 0.00007 and 0.00018; ExAC 0.00013; 1000 Genomes Project 30x 0.00109; 1000 Genomes Project 0.00140.
gnomAD v4.1: 136 of 1,614,006 alleles (0.0084%); highest among the groups gnomAD compares: East Asian, 0.054%; no homozygotes.

Submissions (2):

Labcorp Genetics (formerly Invitae), Labcorp
Classification: Uncertain significance. Last evaluated: 2022-08-22. Review status: criteria provided, single submitter. Criteria: Invitae Variant Classification Sherloc (09022015). Collection method: clinical testing. Allele origin: germline.
Comment: This sequence change replaces alanine, which is neutral and non-polar, with valine, which is neutral and non-polar, at codon 72 of the TF protein (p.Ala72Val). This variant is present in population databases (rs142819812, gnomAD 0.09%). This variant has not been reported in the literature in individuals affected with TF-related conditions. ClinVar contains an entry for this variant (Variation ID: 902172). Algorithms developed to predict the effect of missense changes on protein structure and function output the following: SIFT: "Tolerated"; PolyPhen-2: "Benign"; Align-GVGD: "Class C0". The valine amino acid residue is found in multiple mammalian species, which suggests that this missense change does not adversely affect protein function. In summary, the available evidence is currently insufficient to determine the role of this variant in disease. Therefore, it has been classified as a Variant of Uncertain Significance.

Illumina Laboratory Services, Illumina
Classification: Uncertain significance for Atransferrinemia. Last evaluated: 2018-01-13. Review status: criteria provided, single submitter. Criteria: ICSL Variant Classification Criteria 13 December 2019. Collection method: clinical testing. Allele origin: germline.

NM_001063.4(TF):c.215C>T (p.Ala72Val)

Gene: TF (transferrin; plus strand). Cytogenetic location: 3q22.1.
Variant type: single nucleotide variant.
Coding change: c.215C>T on transcript NM_001063.4 (MANE Select); coding-DNA position 215, C replaced by T.
Protein change: p.Ala72Val; replaces alanine 72 with valine.
Molecular consequence: missense variant. On other transcripts: intron variant (1).
Genome position (GRCh38, 1-based): chr3:133,748,583, C>T. VCF-style: chr3-133748583-C-T. GRCh37 (hg19) VCF-style: chr3-133467427-C-T.
Other names: c.83C>T, p.Ala28Val (NM_001354703.2); c.-166+2100C>T (NM_001354704.2); short protein forms A72V, A28V.
Identifiers: ClinVar variation 902172 (VCV000902172.5), dbSNP rs142819812, ClinGen allele CA2624885.
Genomic context (GRCh38, chr3:133,748,583, plus strand): 5'-ATGGTCCCAGTGTTGCTTGTGTGAAGAAAGCCTCCTACCTTGATTGCATCAGGGCCATTG[C>T]GGTAAGTCGCTGCTGCCTAAAAGAGAGTGGAAGAAAGCCATACTTTCTCTGTTTCCAGTC-3'
Protein context (NP_001054.2, residues 62-82): ASYLDCIRAI[Ala72Val]ANEADAVTLD